The following is an entry in ClinVar:

NM_018297.4(NGLY1):c.889A>T (p.Asn297Tyr)

Gene: NGLY1 (N-glycanase 1; minus strand). Cytogenetic location: 3p24.2.
Variant type: single nucleotide variant.
Coding change: c.889A>T on transcript NM_018297.4 (MANE Select); coding-DNA position 889, A replaced by T.
Protein change: p.Asn297Tyr; replaces asparagine 297 with tyrosine.
Molecular consequence: missense variant.
Genome position (GRCh38, 1-based): chr3:25,737,448, T>A on the plus strand (A>T on the coding strand, the complement: NGLY1 is on the minus strand). VCF-style: chr3-25737448-T-A. GRCh37 (hg19) VCF-style: chr3-25778939-T-A.
Other names: c.889A>T, p.Asn297Tyr (NM_001145293.2, NM_001145295.2); c.763A>T, p.Asn255Tyr (NM_001145294.2); c.889A>T (NM_018297.3); short protein forms N255Y, N297Y.
Identifiers: ClinVar variation 1014230 (VCV001014230.5), dbSNP rs763397227, ClinGen allele CA2289347.
Genomic context (GRCh38, chr3:25,737,448, plus strand): 5'-TAAAACAATTGGCCCACTCGCCACACCGTCCACATCTTGTTTCCAAAAGTTTCTCAGGGT[T>A]ATTATATCTGGTTTAAAAAGAAAAAAAACCTTAATTATCAAAATCAAGATTTTTAAGAGA-3'
Protein context (NP_060767.2, residues 287-307): QFSNRFPRYN[Asn297Tyr]PEKLLETRCG

ClinVar aggregate classification (germline): Uncertain significance. Review status: criteria provided, multiple submitters, no conflicts (2 of 4 stars). 3 submissions from 3 submitters: Uncertain significance (3). Last evaluated 2021-11-16.

Conditions:
Congenital disorder of deglycosylation 1. Also called: NGLY1-deficiency; NGLY1-Related Congenital Disorder of Deglycosylation. Identifiers: Orphanet 404454, MedGen CN306977, MONDO:0800044, OMIM 615273.
Inborn genetic diseases. Identifiers: MedGen C0950123, MeSH D030342.
Congenital disorder of deglycosylation (CDDG). Identifiers: MedGen C3808991, MONDO:0031376.

Allele frequency attached by ClinVar (database versions not stated): ExAC 0.00001; gnomAD 0.00001 and 0.00002; gnomAD exomes 0.00001; TOPMed 0.00001.
gnomAD v4.1: 32 of 1,597,750 alleles (0.002%); highest among the groups gnomAD compares: Non-Finnish European, 0.0024%; no homozygotes.

Submissions (3):

Ambry Genetics
Classification: Uncertain significance for Inborn genetic diseases. Last evaluated: 2021-11-16. Review status: criteria provided, single submitter. Criteria: Ambry Variant Classification Scheme 2023. Collection method: clinical testing. Allele origin: germline.

Fulgent Genetics
Classification: Uncertain significance for Congenital disorder of deglycosylation 1. Last evaluated: 2021-10-29. Review status: criteria provided, single submitter. Criteria: ACMG Guidelines, 2015. Collection method: clinical testing. Allele origin: unknown.

Labcorp Genetics (formerly Invitae), Labcorp
Classification: Uncertain significance for Congenital disorder of deglycosylation. Last evaluated: 2021-10-22. Review status: criteria provided, single submitter. Criteria: Invitae Variant Classification Sherloc (09022015). Collection method: clinical testing. Allele origin: germline.
Comment: This sequence change replaces asparagine with tyrosine at codon 297 of the NGLY1 protein (p.Asn297Tyr). The asparagine residue is moderately conserved and there is a large physicochemical difference between asparagine and tyrosine. The frequency data for this variant in the population databases is considered unreliable, as metrics indicate poor data quality at this position in the ExAC database. This variant has not been reported in the literature in individuals affected with NGLY1-related conditions. Algorithms developed to predict the effect of missense changes on protein structure and function are either unavailable or do not agree on the potential impact of this missense change (SIFT: "Deleterious"; PolyPhen-2: "Benign"; Align-GVGD: "Class C15"). In summary, the available evidence is currently insufficient to determine the role of this variant in disease. Therefore, it has been classified as a Variant of Uncertain Significance.